The following is an entry in ClinVar:

ClinVar aggregate classification (germline): Likely benign (1 of 4 stars; one submission).

gnomAD v4.1: 5 of 1,606,584 alleles (0.00031%); highest among the groups gnomAD compares: South Asian, 0.0044%; no homozygotes.

Submission:

CeGaT Center for Human Genetics Tuebingen
Classification: Likely benign. Last evaluated: 2025-06-01. Review status: criteria provided, single submitter. Criteria: CeGaT Center For Human Genetics Tuebingen Variant Classification Criteria Version 2. Collection method: clinical testing. Allele origin: germline. Affected: yes. Observed: 1 variant allele.
Comment: LPIN3: BP4, BP7

NM_022896.3(LPIN3):c.294T>C (p.His98=)

Gene: LPIN3 (lipin 3; plus strand). Cytogenetic location: 20q12.
Variant type: single nucleotide variant.
Coding change: c.294T>C on transcript NM_022896.3 (MANE Select); coding-DNA position 294, T replaced by C.
Protein change: p.His98=; no amino-acid change (histidine 98 retained).
Molecular consequence: synonymous variant. On other transcripts: non-coding transcript variant (1).
Genome position (GRCh38, 1-based): chr20:41,348,624, T>C. VCF-style: chr20-41348624-T-C. GRCh37 (hg19) VCF-style: chr20-39977264-T-C.
Other names: c.294T>C, p.His98= (NM_001301860.2).
Identifiers: ClinVar variation 3905535 (VCV003905535.10).